The following is an entry in ClinVar:

ClinVar aggregate classification (germline): Uncertain significance. Review status: criteria provided, multiple submitters, no conflicts (2 of 4 stars). 2 submissions from 2 submitters: Uncertain significance (2). Last evaluated 2026-01-16.

Conditions:
Hereditary cancer-predisposing syndrome. Also called: Hereditary Cancer Syndrome; Neoplastic Syndromes, Hereditary; Tumor predisposition; Hereditary neoplastic syndrome. Identifiers: Orphanet 140162, MedGen C0027672, MeSH D009386, MONDO:0015356.
Renal cell carcinoma. Identifiers: Orphanet 217071, MedGen C0007134, MeSH D002292, MONDO:0005086, HP:0005584.

Submissions (2):

Ambry Genetics
Classification: Uncertain significance for Hereditary cancer-predisposing syndrome. Last evaluated: 2026-01-16. Review status: criteria provided, single submitter. Criteria: Ambry Variant Classification Scheme 2023. Collection method: clinical testing. Allele origin: germline.
Comment: The c.3040delG variant, located in coding exon 13 of the MET gene, results from a deletion of one nucleotide at nucleotide position 3040, causing a translational frameshift with a predicted alternate stop codon (p.V1014Ffs*6). This alteration is expected to result in loss of function by premature protein truncation or nonsense-mediated mRNA decay. However, loss of function has not been established as a mechanism of disease. Based on the available evidence, the clinical significance of this variant remains unclear.

Labcorp Genetics (formerly Invitae), Labcorp
Classification: Uncertain significance for Renal cell carcinoma. Last evaluated: 2025-02-10. Review status: criteria provided, single submitter. Criteria: Invitae Variant Classification Sherloc (09022015). Collection method: clinical testing. Allele origin: germline.
Comment: This sequence change creates a premature translational stop signal (p.Val1014Phefs*6) in the MET gene. It is expected to result in an absent or disrupted protein product. However, the current clinical and genetic evidence is not sufficient to establish whether loss-of-function variants in MET cause disease. This variant is not present in population databases (gnomAD no frequency). This variant has not been reported in the literature in individuals affected with MET-related conditions. In summary, the available evidence is currently insufficient to determine the role of this variant in disease. Therefore, it has been classified as a Variant of Uncertain Significance.

NM_000245.4(MET):c.2986del (p.Val996fs)

Gene: MET (MET proto-oncogene, receptor tyrosine kinase; plus strand). Cytogenetic location: 7q31.2.
Variant type: Deletion.
Coding change: c.2986del on transcript NM_000245.4 (MANE Select); coding-DNA position 2986, one base deleted (G; older notation c.2986delG).
Protein change: p.Val996fs; shifts the reading frame from valine 996.
Molecular consequence: frameshift variant.
Genome position (GRCh38, 1-based): chr7:116,771,947, G deleted; the last of 2 consecutive G bases (chr7:116,771,946-116,771,947); deleting either gives the same sequence. VCF-style (leftmost placement, unchanged base first): chr7-116771945-TG-T. GRCh37 (hg19) VCF-style: chr7-116411999-TG-T.
Other names: c.3040del, p.Val1014fs (NM_001127500.3); c.1696del, p.Val566fs (NM_001324402.2); short protein forms V566fs, V1014fs, V996fs.
Identifiers: ClinVar variation 3726206 (VCV003726206.3).